The following is an entry in ClinVar:

NM_201384.3(PLEC):c.13579T>C (p.Tyr4527His)

Gene: PLEC (plectin; minus strand). Cytogenetic location: 8q24.3.
Variant type: single nucleotide variant.
Coding change: c.13579T>C on transcript NM_201384.3 (MANE Select); coding-DNA position 13579, T replaced by C.
Protein change: p.Tyr4527His; replaces tyrosine 4527 with histidine.
Molecular consequence: missense variant.
Genome position (GRCh38, 1-based): chr8:143,916,242, A>G on the plus strand (T>C on the coding strand, the complement: PLEC is on the minus strand). VCF-style: chr8-143916242-A-G. GRCh37 (hg19) VCF-style: chr8-144990410-A-G.
Other names: p.Tyr4554His; c.13660T>C, p.Tyr4554His (NM_000445.5); c.13537T>C, p.Tyr4513His (NM_201378.4); c.13513T>C, p.Tyr4505His (NM_201379.3); c.13990T>C, p.Tyr4664His (NM_201380.4); c.13483T>C, p.Tyr4495His (NM_201381.3); c.13579T>C, p.Tyr4527His (NM_201382.4); c.13591T>C, p.Tyr4531His (NM_201383.3); short protein forms Y4505H, Y4531H, Y4554H, Y4495H, Y4513H, Y4527H, Y4664H.
Identifiers: ClinVar variation 582765 (VCV000582765.12), dbSNP rs1286310928, ClinGen allele CA372473608.

ClinVar aggregate classification (germline): Uncertain significance. Review status: criteria provided, multiple submitters, no conflicts (2 of 4 stars). 2 submissions from 2 submitters: Uncertain significance (2). Last evaluated 2021-11-12.

Conditions:
Autosomal recessive limb-girdle muscular dystrophy type 2Q (LGMDR17). Also called: MUSCULAR DYSTROPHY, LIMB-GIRDLE, AUTOSOMAL RECESSIVE 17. Identifiers: Orphanet 254361, MedGen C3150989, MONDO:0013390, OMIM 613723.
Epidermolysis bullosa simplex 5B, with muscular dystrophy (EBS5B). Also called: EPIDERMOLYSIS BULLOSA SIMPLEX AND LIMB-GIRDLE MUSCULAR DYSTROPHY; Epidermolysis bullosa simplex with muscular dystrophy. Identifiers: Orphanet 257, MedGen C2931072, MONDO:0009181, OMIM 226670.
Epidermolysis bullosa simplex, Ogna type (EBS5A). Also called: Pidermolysis bullosa simplex 5A, Ogna type; EPIDERMOLYSIS BULLOSA SIMPLEX 5A, OGNA TYPE. Identifiers: Orphanet 79401, MedGen C0432317, MONDO:0007555, OMIM 131950.
Epidermolysis bullosa simplex 5C, with pyloric atresia (EBS5C). Also called: PLEC-Related Epidermolysis Bullosa with Pyloric Atresia; Epidermolysis bullosa simplex with pyloric atresia; PLEC1-Related Epidermolysis Bullosa with Pyloric Atresia. Identifiers: Orphanet 158684, MedGen C2677349, MONDO:0012807, OMIM 612138.
Epidermolysis bullosa simplex with nail dystrophy (EBS5D). Identifiers: MedGen C4225309, MONDO:0014661, OMIM 616487.

Allele frequency attached by ClinVar (database versions not stated): gnomAD exomes below 0.00001; TOPMed below 0.00001.

Submissions (2):

Mayo Clinic Laboratories, Mayo Clinic
Classification: Uncertain significance. Last evaluated: 2021-11-12. Review status: criteria provided, single submitter. Criteria: ACMG Guidelines, 2015. Collection method: clinical testing. Allele origin: germline.

Labcorp Genetics (formerly Invitae), Labcorp
Classification: Uncertain significance for Autosomal recessive limb-girdle muscular dystrophy type 2Q; Epidermolysis bullosa simplex, Ogna type; Epidermolysis bullosa simplex with nail dystrophy; Epidermolysis bullosa simplex 5C, with pyloric atresia; Epidermolysis bullosa simplex 5B, with muscular dystrophy. Last evaluated: 2018-05-22. Review status: criteria provided, single submitter. Criteria: Invitae Variant Classification Sherloc (09022015). Collection method: clinical testing. Allele origin: germline.
Comment: This variant has not been reported in the literature in individuals with PLEC-related disease. In summary, the available evidence is currently insufficient to determine the role of this variant in disease. Therefore, it has been classified as a Variant of Uncertain Significance. Algorithms developed to predict the effect of missense changes on protein structure and function are either unavailable or do not agree on the potential impact of this missense change (SIFT: "Deleterious"; PolyPhen-2: "Not Available"; Align-GVGD: "Class C65"). While this variant is not present in population databases, the frequency information is unreliable, as metrics indicate poor data quality at this position in the ExAC database. This sequence change replaces tyrosine with histidine at codon 4554 of the PLEC protein (p.Tyr4554His). The tyrosine residue is highly conserved and there is a moderate physicochemical difference between tyrosine and histidine.